The following is an entry in ClinVar:

ClinVar aggregate classification (germline): Uncertain significance (1 of 4 stars; one submission).

Allele frequency attached by ClinVar (database versions not stated): TOPMed 0.00001; gnomAD 0.00002; ExAC 0.00011.
gnomAD v4.1: 23 of 1,204,840 alleles (0.0019%); highest among the groups gnomAD compares: East Asian, 0.003%; no homozygotes.

Submission:

Labcorp Genetics (formerly Invitae), Labcorp
Classification: Uncertain significance. Last evaluated: 2024-10-07. Review status: criteria provided, single submitter. Criteria: Invitae Variant Classification Sherloc (09022015). Collection method: clinical testing. Allele origin: germline.
Comment: This sequence change replaces alanine, which is neutral and non-polar, with serine, which is neutral and polar, at codon 57 of the COX7B protein (p.Ala57Ser). This variant is present in population databases (rs782772132, gnomAD 0.01%). This variant has not been reported in the literature in individuals affected with COX7B-related conditions. ClinVar contains an entry for this variant (Variation ID: 1971573). An algorithm developed to predict the effect of missense changes on protein structure and function (PolyPhen-2) suggests that this variant is likely to be tolerated. In summary, the available evidence is currently insufficient to determine the role of this variant in disease. Therefore, it has been classified as a Variant of Uncertain Significance.

NM_001866.3(COX7B):c.169G>T (p.Ala57Ser)

Gene: COX7B (cytochrome c oxidase subunit 7B; plus strand). Cytogenetic location: Xq21.1.
Variant type: single nucleotide variant.
Coding change: c.169G>T on transcript NM_001866.3 (MANE Select); coding-DNA position 169, G replaced by T.
Protein change: p.Ala57Ser; replaces alanine 57 with serine.
Molecular consequence: missense variant.
Genome position (GRCh38, 1-based): chrX:77,905,187, G>T. VCF-style: chrX-77905187-G-T. GRCh37 (hg19) VCF-style: chrX-77160684-G-T.
Other names: short protein forms A57S.
Identifiers: ClinVar variation 1971573 (VCV001971573.5), dbSNP rs782772132, ClinGen allele CA10458705.
Genomic context (GRCh38, chrX:77,905,187, plus strand): 5'-TCCGAGAGAGTGTACTCTGGTTTAAACACGTAACTGACAGCATTTTAATTCTTACAGGTA[G>T]CAACACAAGTCGGAATAGAATGGAACCTGTCCCCTGTTGGCAGAGTTACCCCAAAGGAAT-3'
Protein context (NP_001857.1, residues 47-67): TFCIVTWTYV[Ala57Ser]TQVGIEWNLS